The following is an entry in ClinVar:

ClinVar aggregate classification (germline): Benign/Likely benign. Review status: criteria provided, multiple submitters, no conflicts (2 of 4 stars). 3 submissions from 3 submitters: Benign (1); Likely benign (2). Last evaluated 2025-04-27.

Conditions:
D2HGDH-related disorder. Also called: D2HGDH-related condition.
D-2-hydroxyglutaric aciduria 1 (D2HGA1). Identifiers: Orphanet 79315, MedGen C3152055, MONDO:0024554, OMIM 600721.

Allele frequency attached by ClinVar (database versions not stated): gnomAD 0.00001 and 0.00004; TOPMed 0.00001; gnomAD exomes 0.00008 and 0.00019; 1000 Genomes Project 30x 0.00016; 1000 Genomes Project 0.00020; ExAC 0.00022.
gnomAD v4.1: 122 of 1,614,092 alleles (0.0076%); highest among the groups gnomAD compares: South Asian, 0.11%; 1 homozygote.

Submissions (3):

PreventionGenetics, part of Exact Sciences
Classification: Likely benign for D2HGDH-related condition. Last evaluated: 2025-04-27. Review status: criteria provided, single submitter. Criteria: ACMG Guidelines, 2015. Collection method: clinical testing. Allele origin: germline.
Comment: This variant is classified as likely benign based on ACMG/AMP sequence variant interpretation guidelines (Richards et al. 2015 PMID: 25741868, with internal and published modifications).

Labcorp Genetics (formerly Invitae), Labcorp
Classification: Benign for D-2-hydroxyglutaric aciduria 1. Last evaluated: 2025-04-17. Review status: criteria provided, single submitter. Criteria: Invitae Variant Classification Sherloc (09022015). Collection method: clinical testing. Allele origin: germline.

Genetic Services Laboratory, University of Chicago
Classification: Likely benign. Last evaluated: 2015-11-19. Review status: criteria provided, single submitter. Criteria: ACMG Guidelines, 2015. Collection method: clinical testing. Allele origin: germline. Affected: no.

NM_152783.5(D2HGDH):c.432C>T (p.Asp144=)

Gene: D2HGDH (D-2-hydroxyglutarate dehydrogenase; plus strand). Cytogenetic location: 2q37.3.
Variant type: single nucleotide variant.
Coding change: c.432C>T on transcript NM_152783.5 (MANE Select); coding-DNA position 432, C replaced by T.
Protein change: p.Asp144=; no amino-acid change (aspartic acid 144 retained).
Molecular consequence: synonymous variant. On other transcripts: 5 prime UTR variant (1), non-coding transcript variant (1).
Genome position (GRCh38, 1-based): chr2:241,742,516, C>T. VCF-style: chr2-241742516-C-T. GRCh37 (hg19) VCF-style: chr2-242681931-C-T.
Other names: c.30C>T, p.Asp10= (NM_001287249.2); c.-113C>T (NM_001352824.2).
Identifiers: ClinVar variation 434883 (VCV000434883.11), dbSNP rs541023216, ClinGen allele CA2221651.